The following is an entry in ClinVar:

NM_000814.6(GABRB3):c.154C>A (p.Leu52Ile)

Gene: GABRB3 (gamma-aminobutyric acid type A receptor subunit beta3; minus strand). Cytogenetic location: 15q12.
Variant type: single nucleotide variant.
Coding change: c.154C>A on transcript NM_000814.6 (MANE Select); coding-DNA position 154, C replaced by A.
Protein change: p.Leu52Ile; replaces leucine 52 with isoleucine.
Molecular consequence: missense variant. On other transcripts: 5 prime UTR variant (1).
Genome position (GRCh38, 1-based): chr15:26,772,699, G>T on the plus strand (C>A on the coding strand, the complement: GABRB3 is on the minus strand). VCF-style: chr15-26772699-G-T. GRCh37 (hg19) VCF-style: chr15-27017846-G-T.
Other names: Leu52Ile; c.-198C>A (NM_001278631.2); c.154C>A, p.Leu52Ile (NM_021912.5); short protein forms L52I.
Identifiers: ClinVar variation 3602133 (VCV003602133.2).

ClinVar aggregate classification (germline): Likely pathogenic (1 of 4 stars; one submission).

Conditions:
Developmental and epileptic encephalopathy, 43 (DEE43). Also called: Epileptic encephalopathy, early infantile, 43. Identifiers: MedGen C4310712, MONDO:0014921, OMIM 617113.

Submission:

Medical Genetics Clinic, University of Catania
Classification: Likely pathogenic for Developmental and epileptic encephalopathy, 43. Last evaluated: 2024-12-18. Review status: criteria provided, single submitter. Criteria: ACMG Guidelines, 2015. Collection method: clinical testing. Allele origin: de novo. Inheritance: Autosomal dominant inheritance. Affected: yes. Observed: 1 heterozygote.
Comment: GABRB3 is essential for functional pentameric GABAA receptor assembly (The Epi4K Consortium and Epilepsy Phenome/Genome Project, 2016). Variants on the GABRB3 gene (MIM:137192) are associated with Developmental and epileptic encephalopathy 43 (DEE43, MIM:617113) with autosomal dominant inheritance (Absalom 2022). The Epi4K Consortium and Epilepsy Phenome/Genome Project (2013, 2016) found different de novo heterozygous mutations involving the GABRB3 gene in patients with DEE43 .

Literature cited by the submitters: DOI 10.1016/j.ajhg.2016.06.003; DOI 10.1093/braincomms/fcaa162; DOI 10.1016/j.seizure.2021.10.014; DOI 10.1038/nature12439; DOI 10.1111/dmcn.12976.